The following is an entry in ClinVar:

ClinVar aggregate classification (germline): Likely pathogenic (1 of 4 stars; one submission).

Conditions:
Familial hemiplegic migraine. Identifiers: MedGen C0338484, MONDO:0000700.

Submission:

Labcorp Genetics (formerly Invitae), Labcorp
Classification: Likely pathogenic for Familial hemiplegic migraine. Last evaluated: 2024-05-18. Review status: criteria provided, single submitter. Criteria: Invitae Variant Classification Sherloc (09022015). Collection method: clinical testing. Allele origin: germline.
Comment: This sequence change affects a donor splice site in intron 3 of the ATP1A2 gene. It is expected to disrupt RNA splicing. Variants that disrupt the donor or acceptor splice site typically lead to a loss of protein function (PMID: 16199547), and loss-of-function variants in ATP1A2 are known to be pathogenic (PMID: 30690204). This variant is not present in population databases (gnomAD no frequency). This variant has not been reported in the literature in individuals affected with ATP1A2-related conditions. Algorithms developed to predict the effect of sequence changes on RNA splicing suggest that this variant may disrupt the consensus splice site. In summary, the currently available evidence indicates that the variant is pathogenic, but additional data are needed to prove that conclusively. Therefore, this variant has been classified as Likely Pathogenic.

Literature cited by the submitters: PubMed 16199547; PubMed 30690204.

NM_000702.4(ATP1A2):c.177+2T>G

Gene: ATP1A2 (ATPase Na+/K+ transporting subunit alpha 2; plus strand). Cytogenetic location: 1q23.2.
Variant type: single nucleotide variant.
Coding change: c.177+2T>G on transcript NM_000702.4 (MANE Select); the canonical splice donor site of the intron after coding-DNA position 177, T replaced by G.
Molecular consequence: splice donor variant.
Genome position (GRCh38, 1-based): chr1:160,121,253, T>G. VCF-style: chr1-160121253-T-G. GRCh37 (hg19) VCF-style: chr1-160091043-T-G.
Identifiers: ClinVar variation 3653767 (VCV003653767.2).